The following is an entry in ClinVar:

NM_004360.5(CDH1):c.2171T>C (p.Ile724Thr)

Gene: CDH1 (cadherin 1; plus strand). Cytogenetic location: 16q22.1.
Variant type: single nucleotide variant.
Coding change: c.2171T>C on transcript NM_004360.5 (MANE Select); coding-DNA position 2171, T replaced by C.
Protein change: p.Ile724Thr; replaces isoleucine 724 with threonine.
Molecular consequence: missense variant.
Genome position (GRCh38, 1-based): chr16:68,828,180, T>C. VCF-style: chr16-68828180-T-C. GRCh37 (hg19) VCF-style: chr16-68862083-T-C.
Other names: c.1988T>C, p.Ile663Thr (NM_001317184.2); c.623T>C, p.Ile208Thr (NM_001317185.2); c.206T>C, p.Ile69Thr (NM_001317186.2); short protein forms I208T, I663T, I69T, I724T.
Identifiers: ClinVar variation 4632905 (VCV004632905.2).

ClinVar aggregate classification (germline): Uncertain significance (1 of 4 stars; one submission).

Conditions:
Hereditary cancer-predisposing syndrome. Also called: Neoplastic Syndromes, Hereditary; Tumor predisposition; Hereditary Cancer Syndrome; Hereditary neoplastic syndrome. Identifiers: Orphanet 140162, MedGen C0027672, MeSH D009386, MONDO:0015356.

gnomAD v4.1: 1 of 1,613,894 alleles (0.000062%); highest among the groups gnomAD compares: East Asian, 0.0022%; no homozygotes.

Submission:

Ambry Genetics
Classification: Uncertain significance for Hereditary cancer-predisposing syndrome. Last evaluated: 2026-07-22. Review status: criteria provided, single submitter. Criteria: Ambry Variant Classification Scheme 2023. Collection method: clinical testing. Allele origin: germline.
Comment: The p.I724T variant (also known as c.2171T>C), located in coding exon 14 of the CDH1 gene, results from a T to C substitution at nucleotide position 2171. The isoleucine at codon 724 is replaced by threonine, an amino acid with similar properties. This amino acid position is conserved. In addition, this alteration is predicted to be tolerated by in silico analysis. Based on the available evidence, the clinical significance of this variant remains unclear.